The following is an entry in ClinVar:

ClinVar aggregate classification (germline): Uncertain significance. Review status: criteria provided, multiple submitters, no conflicts (2 of 4 stars). 2 submissions from 2 submitters: Uncertain significance (2). Last evaluated 2025-09-26.

Conditions:
Inborn genetic diseases. Identifiers: MedGen C0950123, MeSH D030342.

gnomAD v4.1: 5 of 1,614,088 alleles (0.00031%); highest among the groups gnomAD compares: South Asian, 0.0044%; no homozygotes.

Submissions (2):

Ambry Genetics
Classification: Uncertain significance for Inborn genetic diseases. Last evaluated: 2025-09-26. Review status: criteria provided, single submitter. Criteria: Ambry Variant Classification Scheme 2023. Collection method: clinical testing. Allele origin: germline.

GeneDx
Classification: Uncertain significance. Last evaluated: 2023-06-21. Review status: criteria provided, single submitter. Criteria: GeneDx Variant Classification Process June 2021. Collection method: clinical testing. Allele origin: germline. Affected: yes.
Comment: In silico analysis supports that this missense variant does not alter protein structure/function; Has not been previously published as pathogenic or benign to our knowledge; In silico analysis suggests this variant may impact gene splicing. In the absence of RNA/functional studies, the actual effect of this sequence change is unknown.

NM_014714.4(IFT140):c.1099G>A (p.Asp367Asn)

Genes: IFT140 (intraflagellar transport 140; minus strand), LOC105371046 (uncharacterized LOC105371046; plus strand). Cytogenetic location: 16p13.3.
Variant type: single nucleotide variant.
Coding change: c.1099G>A on transcript NM_014714.4 (MANE Select); coding-DNA position 1099, G replaced by A.
Protein change: p.Asp367Asn; replaces aspartic acid 367 with asparagine.
Molecular consequence: missense variant.
Genome position (GRCh38, 1-based): chr16:1,586,186, C>T on the plus strand (G>A on the coding strand, the complement: IFT140 is on the minus strand). VCF-style: chr16-1586186-C-T. GRCh37 (hg19) VCF-style: chr16-1636187-C-T.
Other names: short protein forms D367N.
Identifiers: ClinVar variation 3359976 (VCV003359976.2).